The following is an entry in ClinVar:

NM_001379291.1(BRD4):c.1694C>T (p.Ala565Val)

Gene: BRD4 (bromodomain containing 4; minus strand). Cytogenetic location: 19p13.12.
Variant type: single nucleotide variant.
Coding change: c.1694C>T on transcript NM_001379291.1 (MANE Select); coding-DNA position 1694, C replaced by T.
Protein change: p.Ala565Val; replaces alanine 565 with valine.
Molecular consequence: missense variant.
Genome position (GRCh38, 1-based): chr19:15,256,121, G>A on the plus strand (C>T on the coding strand, the complement: BRD4 is on the minus strand). VCF-style: chr19-15256121-G-A. GRCh37 (hg19) VCF-style: chr19-15366932-G-A.
Other names: c.1694C>T, p.Ala565Val (NM_001330384.2, NM_001379292.1, NM_014299.3 and 1 more transcripts); short protein forms A565V.
Identifiers: ClinVar variation 2352746 (VCV002352746.5), dbSNP rs971737368, ClinGen allele CA305801271.

ClinVar aggregate classification (germline): Uncertain significance. Review status: criteria provided, multiple submitters, no conflicts (2 of 4 stars). 2 submissions from 2 submitters: Uncertain significance (2). Last evaluated 2023-07-10.

Conditions:
Inborn genetic diseases. Identifiers: MedGen C0950123, MeSH D030342.

Allele frequency attached by ClinVar (database versions not stated): gnomAD exomes below 0.00001; TOPMed below 0.00001; gnomAD 0.00001.
gnomAD v4.1: 8 of 1,611,712 alleles (0.0005%); highest among the groups gnomAD compares: East Asian, 0.0045%; no homozygotes.

Submissions (2):

Labcorp Genetics (formerly Invitae), Labcorp
Classification: Uncertain significance. Last evaluated: 2023-07-10. Review status: criteria provided, single submitter. Criteria: Invitae Variant Classification Sherloc (09022015). Collection method: clinical testing. Allele origin: germline.
Comment: This sequence change replaces alanine, which is neutral and non-polar, with valine, which is neutral and non-polar, at codon 565 of the BRD4 protein (p.Ala565Val). This variant is present in population databases (no rsID available, gnomAD 0.005%). This variant has not been reported in the literature in individuals affected with BRD4-related conditions. ClinVar contains an entry for this variant (Variation ID: 2352746). Advanced modeling of protein sequence and biophysical properties (such as structural, functional, and spatial information, amino acid conservation, physicochemical variation, residue mobility, and thermodynamic stability) performed at Invitae indicates that this missense variant is not expected to disrupt BRD4 protein function. In summary, the available evidence is currently insufficient to determine the role of this variant in disease. Therefore, it has been classified as a Variant of Uncertain Significance.

Ambry Genetics
Classification: Uncertain significance for Inborn genetic diseases. Last evaluated: 2021-07-26. Review status: criteria provided, single submitter. Criteria: Ambry Variant Classification Scheme 2023. Collection method: clinical testing. Allele origin: germline.